The following is an entry in ClinVar:

ClinVar aggregate classification (germline): Uncertain significance. Review status: criteria provided, multiple submitters, no conflicts (2 of 4 stars). 2 submissions from 2 submitters: Uncertain significance (2). Last evaluated 2024-11-24.

Conditions:
Inborn genetic diseases. Identifiers: MedGen C0950123, MeSH D030342.

Allele frequency attached by ClinVar (database versions not stated): TOPMed 0.00006; ESP Exome Variant Server 0.00008; gnomAD 0.00010; ExAC 0.00013; gnomAD exomes 0.00014.
gnomAD v4.1: 209 of 1,613,876 alleles (0.013%); highest among the groups gnomAD compares: Non-Finnish European, 0.017%; no homozygotes.

Submissions (2):

Ambry Genetics
Classification: Uncertain significance for Inborn genetic diseases. Last evaluated: 2024-11-24. Review status: criteria provided, single submitter. Criteria: Ambry Variant Classification Scheme 2023. Collection method: clinical testing. Allele origin: germline.

Labcorp Genetics (formerly Invitae), Labcorp
Classification: Uncertain significance. Last evaluated: 2024-09-27. Review status: criteria provided, single submitter. Criteria: Invitae Variant Classification Sherloc (09022015). Collection method: clinical testing. Allele origin: germline.
Comment: This sequence change replaces aspartic acid, which is acidic and polar, with asparagine, which is neutral and polar, at codon 144 of the TBX15 protein (p.Asp144Asn). This variant is present in population databases (rs199701328, gnomAD 0.02%). This variant has not been reported in the literature in individuals affected with TBX15-related conditions. ClinVar contains an entry for this variant (Variation ID: 2043763). Invitae Evidence Modeling of protein sequence and biophysical properties (such as structural, functional, and spatial information, amino acid conservation, physicochemical variation, residue mobility, and thermodynamic stability) indicates that this missense variant is not expected to disrupt TBX15 protein function with a negative predictive value of 80%. In summary, the available evidence is currently insufficient to determine the role of this variant in disease. Therefore, it has been classified as a Variant of Uncertain Significance.

NM_001330677.2(TBX15):c.748G>A (p.Asp250Asn)

Gene: TBX15 (T-box transcription factor 15; minus strand). Cytogenetic location: 1p12.
Variant type: single nucleotide variant.
Coding change: c.748G>A on transcript NM_001330677.2 (MANE Select); coding-DNA position 748, G replaced by A.
Protein change: p.Asp250Asn; replaces aspartic acid 250 with asparagine.
Molecular consequence: missense variant.
Genome position (GRCh38, 1-based): chr1:118,923,549, C>T on the plus strand (G>A on the coding strand, the complement: TBX15 is on the minus strand). VCF-style: chr1-118923549-C-T. GRCh37 (hg19) VCF-style: chr1-119466172-C-T.
Other names: c.430G>A, p.Asp144Asn (NM_152380.3); c.430G>A (NM_152380.2); short protein forms D250N, D144N.
Identifiers: ClinVar variation 2043763 (VCV002043763.4), dbSNP rs199701328, ClinGen allele CA1035011.